The following is an entry in ClinVar:

ClinVar aggregate classification (germline): Pathogenic (1 of 4 stars; one submission).

Submission:

GeneDx
Classification: Pathogenic. Last evaluated: 2016-12-15. Review status: criteria provided, single submitter. Criteria: GeneDx Variant Classification (06012015). Collection method: clinical testing. Allele origin: germline. Affected: yes.
Comment: The W1812X nonsense variant in the SCN1A gene has been reported previously as de novo in two patients with Dravet syndrome (Harkin et al., 2007; Petrelli et al., 2012). This pathogenic variant is predicted to cause loss of normal protein function through protein truncation, as the last 198 amino acids of the SCN1A protein are lost. The W1812X variant is not observed in large population cohorts (Lek et al., 2016; 1000 Genomes Consortium et al., 2015; Exome Variant Server). Therefore, the presence of the W1812X pathogenic variant is consistent with the diagnosis of an SCN1A-related disorder.

NM_001165963.4(SCN1A):c.5435G>A (p.Trp1812Ter)

Genes: SCN1A (sodium voltage-gated channel alpha subunit 1; minus strand), LOC102724058 (uncharacterized LOC102724058; plus strand). Cytogenetic location: 2q24.3.
Variant type: single nucleotide variant.
Coding change: c.5435G>A on transcript NM_001165963.4 (MANE Select); coding-DNA position 5435, G replaced by A.
Protein change: p.Trp1812Ter; replaces tryptophan 1812 with a stop codon.
Molecular consequence: nonsense. On other transcripts: non-coding transcript variant (1).
Genome position (GRCh38, 1-based): chr2:165,991,840, C>T on the plus strand (G>A on the coding strand, the complement: SCN1A is on the minus strand). VCF-style: chr2-165991840-C-T. GRCh37 (hg19) VCF-style: chr2-166848350-C-T.
Other names: p.W1812*:TGG>TAG; c.5351G>A, p.Trp1784Ter (NM_001165964.3, NM_001353957.2, NM_001353958.2); c.5435G>A, p.Trp1812Ter (NM_001202435.3, NM_001353948.2); c.5402G>A, p.Trp1801Ter (NM_001353949.2, NM_001353950.2, NM_001353951.2 and 2 more transcripts); c.5399G>A, p.Trp1800Ter (NM_001353954.2, NM_001353955.2); c.5348G>A, p.Trp1783Ter (NM_001353960.2); c.2993G>A, p.Trp998Ter (NM_001353961.2); short protein forms W1801*, W1812*, W998*, W1800*, W1783*, W1784*.
Identifiers: ClinVar variation 206866 (VCV000206866.2), dbSNP rs796053040, ClinGen allele CA317609.
Genomic context (GRCh38, chr2:165,991,840, plus strand): 5'-GCAAACTGAGATAATTTTTCAAATTCCATGAACTGAGTTGCATCGGGATCAAACTTCTCC[C>T]AAACCTCATAGAACATCTCAAAGTCATCCTCACTCAGAGGCTCTGCACTTTCTTCAGTAG-3'